The following is an entry in ClinVar:

NM_004656.4(BAP1):c.1586A>G (p.Lys529Arg)

Gene: BAP1 (BRCA1 associated deubiquitinase 1; minus strand). Cytogenetic location: 3p21.1.
Variant type: single nucleotide variant.
Coding change: c.1586A>G on transcript NM_004656.4 (MANE Select); coding-DNA position 1586, A replaced by G.
Protein change: p.Lys529Arg; replaces lysine 529 with arginine.
Molecular consequence: missense variant.
Genome position (GRCh38, 1-based): chr3:52,403,559, T>C on the plus strand (A>G on the coding strand, the complement: BAP1 is on the minus strand). VCF-style: chr3-52403559-T-C. GRCh37 (hg19) VCF-style: chr3-52437575-T-C.
Other names: c.1532A>G, p.Lys511Arg (NM_001410772.1); short protein forms K529R, K511R.
Identifiers: ClinVar variation 3477147 (VCV003477147.2).

ClinVar aggregate classification (germline): Uncertain significance (1 of 4 stars; one submission).

Conditions:
Hereditary cancer-predisposing syndrome. Also called: Tumor predisposition; Neoplastic Syndromes, Hereditary; Hereditary neoplastic syndrome; Hereditary Cancer Syndrome. Identifiers: Orphanet 140162, MedGen C0027672, MeSH D009386, MONDO:0015356.

gnomAD v4.1: 2 of 1,613,852 alleles (0.00012%); highest among the groups gnomAD compares: Non-Finnish European, 0.00017%; no homozygotes.

Submission:

Ambry Genetics
Classification: Uncertain significance for Hereditary cancer-predisposing syndrome. Last evaluated: 2025-04-22. Review status: criteria provided, single submitter. Criteria: Ambry Variant Classification Scheme 2023. Collection method: clinical testing. Allele origin: germline.
Comment: The c.1586A>G variant (also known as p.K529R), located in coding exon 13 of the BAP1 gene, results from an A to G substitution at nucleotide position 1586. The lysine at codon 529 is replaced by arginine, an amino acid with highly similar properties. This alteration was inconclusive in a high throughput genome editing haploid cell survival functional assay (Waters AJ et al. Nat Genet, 2024 Jul;56:1434-1445). This nucleotide position is well conserved in available vertebrate species. In silico splice site analysis predicts that this alteration will result in the creation or strengthening of a novel splice acceptor site. RNA studies have demonstrated that this alteration results in a splice defect; the clinical impact of this abnormal splicing is unknown at this time (Ambry internal data). This amino acid position is well conserved in available vertebrate species; however, arginine is the reference amino acid in other vertebrate species. In addition, this alteration is predicted to be tolerated by in silico analysis. Based on the available evidence, the clinical significance of this variant remains unclear.

Literature cited by the submitters: PubMed 38969833.